The following is an entry in ClinVar:

NM_000038.6(APC):c.5516C>G (p.Ala1839Gly)

Gene: APC (APC regulator of Wnt signaling pathway; plus strand). Cytogenetic location: 5q22.2.
Variant type: single nucleotide variant.
Coding change: c.5516C>G on transcript NM_000038.6 (MANE Select); coding-DNA position 5516, C replaced by G.
Protein change: p.Ala1839Gly; replaces alanine 1839 with glycine.
Molecular consequence: missense variant. On other transcripts: non-coding transcript variant (2).
Genome position (GRCh38, 1-based): chr5:112,841,110, C>G. VCF-style: chr5-112841110-C-G. GRCh37 (hg19) VCF-style: chr5-112176807-C-G.
Other names: c.5516C>G, p.Ala1839Gly (NM_001127510.3, NM_001354895.2, NM_001407450.1); c.5462C>G, p.Ala1821Gly (NM_001127511.3); c.5570C>G, p.Ala1857Gly (NM_001354896.2, NM_001407447.1, NM_001407448.1 and 1 more transcripts); c.5546C>G, p.Ala1849Gly (NM_001354897.2); c.5441C>G, p.Ala1814Gly (NM_001354898.2); c.5432C>G, p.Ala1811Gly (NM_001354899.2); c.5393C>G, p.Ala1798Gly (NM_001354900.2); c.5339C>G, p.Ala1780Gly (NM_001354901.2, NM_001407453.1); and 11 more; short protein forms A1756G, A1780G, A1811G, A1867G, A1679G, A1738G, A1814G, A1829G.
Identifiers: ClinVar variation 2769389 (VCV002769389.3), dbSNP rs2149942171, ClinGen allele CA16033401.

ClinVar aggregate classification (germline): Uncertain significance (1 of 4 stars; one submission).

Conditions:
Familial adenomatous polyposis 1 (FAP1). Also called: POLYPOSIS, ADENOMATOUS INTESTINAL; FAMILIAL ADENOMATOUS POLYPOSIS 1, ATTENUATED. Identifiers: MedGen C2713442, MONDO:0021056, OMIM 175100. Disease mechanism: loss of function.

Submission:

Labcorp Genetics (formerly Invitae), Labcorp
Classification: Uncertain significance for Familial adenomatous polyposis 1. Last evaluated: 2023-10-17. Review status: criteria provided, single submitter. Criteria: Invitae Variant Classification Sherloc (09022015). Collection method: clinical testing. Allele origin: germline.
Comment: This sequence change replaces alanine, which is neutral and non-polar, with glycine, which is neutral and non-polar, at codon 1839 of the APC protein (p.Ala1839Gly). This variant is not present in population databases (gnomAD no frequency). This variant has not been reported in the literature in individuals affected with APC-related conditions. Advanced modeling of protein sequence and biophysical properties (such as structural, functional, and spatial information, amino acid conservation, physicochemical variation, residue mobility, and thermodynamic stability) performed at Invitae indicates that this missense variant is not expected to disrupt APC protein function. In summary, the available evidence is currently insufficient to determine the role of this variant in disease. Therefore, it has been classified as a Variant of Uncertain Significance.